The following is an entry in ClinVar:

ClinVar aggregate classification (germline): Uncertain significance (1 of 4 stars; one submission).

Conditions:
Hereditary cancer-predisposing syndrome. Also called: Neoplastic Syndromes, Hereditary; Tumor predisposition; Hereditary neoplastic syndrome; Hereditary Cancer Syndrome. Identifiers: Orphanet 140162, MedGen C0027672, MeSH D009386, MONDO:0015356.

Submission:

Ambry Genetics
Classification: Uncertain significance for Hereditary cancer-predisposing syndrome. Last evaluated: 2024-06-08. Review status: criteria provided, single submitter. Criteria: Ambry Variant Classification Scheme 2023. Collection method: clinical testing. Allele origin: germline.
Comment: The p.D404A variant (also known as c.1211A>C), located in coding exon 10 of the TSC1 gene, results from an A to C substitution at nucleotide position 1211. The aspartic acid at codon 404 is replaced by alanine, an amino acid with dissimilar properties. This amino acid position is conserved. In addition, the in silico prediction for this alteration is inconclusive. Based on the available evidence, the clinical significance of this variant remains unclear.

NM_000368.5(TSC1):c.1211A>C (p.Asp404Ala)

Gene: TSC1 (TSC complex subunit 1; minus strand). Cytogenetic location: 9q34.13.
Variant type: single nucleotide variant.
Coding change: c.1211A>C on transcript NM_000368.5 (MANE Select); coding-DNA position 1211, A replaced by C.
Protein change: p.Asp404Ala; replaces aspartic acid 404 with alanine.
Molecular consequence: missense variant. On other transcripts: non-coding transcript variant (5).
Genome position (GRCh38, 1-based): chr9:132,910,623, T>G on the plus strand (A>C on the coding strand, the complement: TSC1 is on the minus strand). VCF-style: chr9-132910623-T-G. GRCh37 (hg19) VCF-style: chr9-135786010-T-G.
Other names: c.848A>C, p.Asp283Ala (NM_001406619.1, NM_001406624.1, NM_001362177.2 and 5 more transcripts); c.845A>C, p.Asp282Ala (NM_001406620.1, NM_001406621.1, NM_001406622.1 and 2 more transcripts); c.260A>C, p.Asp87Ala (NM_001406626.1); c.257A>C, p.Asp86Ala (NM_001406627.1, NM_001406628.1); c.158A>C, p.Asp53Ala (NM_001406629.1, NM_001406630.1); c.1208A>C, p.Asp403Ala (NM_001162426.2, NM_001406597.1, NM_001406598.1 and 6 more transcripts); c.1058A>C, p.Asp353Ala (NM_001162427.2, NM_001406610.1); c.1211A>C, p.Asp404Ala (NM_001406592.1, NM_001406593.1, NM_001406594.1 and 7 more transcripts); and 1 more; short protein forms D352A, D403A, D404A, D86A, D282A, D283A, D353A, D87A.
Identifiers: ClinVar variation 3329452 (VCV003329452.1).